The following is an entry in ClinVar:

NM_000123.4(ERCC5):c.2229C>T (p.Leu743=)

Genes: BIVM-ERCC5 (BIVM-ERCC5 readthrough; plus strand), ERCC5 (ERCC excision repair 5, endonuclease; plus strand), LOC126861834 (BRD4-independent group 4 enhancer GRCh37_chr13:103518038-103519237; plus strand). Cytogenetic location: 13q33.1.
Variant type: single nucleotide variant.
Coding change: c.2229C>T on transcript NM_000123.4 (MANE Select); coding-DNA position 2229, C replaced by T.
Protein change: p.Leu743=; no amino-acid change (leucine 743 retained).
Molecular consequence: synonymous variant.
Genome position (GRCh38, 1-based): chr13:102,866,291, C>T. VCF-style: chr13-102866291-C-T. GRCh37 (hg19) VCF-style: chr13-103518641-C-T.
Other names: c.3591C>T, p.Leu1197= (NM_001204425.2).
Identifiers: ClinVar variation 2643922 (VCV002643922.25), dbSNP rs373289587, ClinGen allele CA7041574.

ClinVar aggregate classification (germline): Likely benign. Review status: criteria provided, multiple submitters, no conflicts (2 of 4 stars). 2 submissions from 2 submitters: Likely benign (2). Last evaluated 2025-10-22.

Conditions:
ERCC5-related disorder. Also called: ERCC5-related condition.

Allele frequency attached by ClinVar (database versions not stated): gnomAD exomes below 0.00001; ExAC 0.00001; ESP Exome Variant Server 0.00008.
gnomAD v4.1: 6 of 1,614,236 alleles (0.00037%); highest among the groups gnomAD compares: Non-Finnish European, 0.00051%; no homozygotes.

Submissions (2):

PreventionGenetics, part of Exact Sciences
Classification: Likely benign for ERCC5-related condition. Last evaluated: 2025-10-22. Review status: criteria provided, single submitter. Criteria: ACMG Guidelines, 2015. Collection method: clinical testing. Allele origin: germline.
Comment: This variant is classified as likely benign based on ACMG/AMP sequence variant interpretation guidelines (Richards et al. 2015 PMID: 25741868, with internal and published modifications).

CeGaT Center for Human Genetics Tuebingen
Classification: Likely benign. Last evaluated: 2023-05-01. Review status: criteria provided, single submitter. Criteria: CeGaT Center For Human Genetics Tuebingen Variant Classification Criteria Version 2. Collection method: clinical testing. Allele origin: germline. Affected: yes. Observed: 1 variant allele.
Comment: ERCC5: BP4, BP7